The following is an entry in ClinVar:

NM_001105206.3(LAMA4):c.1661T>C (p.Ile554Thr)

Gene: LAMA4 (laminin subunit alpha 4; minus strand). Cytogenetic location: 6q21.
Variant type: single nucleotide variant.
Coding change: c.1661T>C on transcript NM_001105206.3 (MANE Select); coding-DNA position 1661, T replaced by C.
Protein change: p.Ile554Thr; replaces isoleucine 554 with threonine.
Molecular consequence: missense variant.
Genome position (GRCh38, 1-based): chr6:112,165,167, A>G on the plus strand (T>C on the coding strand, the complement: LAMA4 is on the minus strand). VCF-style: chr6-112165167-A-G. GRCh37 (hg19) VCF-style: chr6-112486369-A-G.
Other names: c.1640T>C, p.Ile547Thr (NM_001105207.3, NM_002290.5); short protein forms I547T, I554T.
Identifiers: ClinVar variation 850887 (VCV000850887.13), dbSNP rs535664944, ClinGen allele CA3965716.

ClinVar aggregate classification (germline): Uncertain significance. Review status: criteria provided, multiple submitters, no conflicts (2 of 4 stars). 2 submissions from 2 submitters: Uncertain significance (2). Last evaluated 2025-09-21.

Conditions:
Cardiovascular phenotype. Identifiers: MedGen CN230736.
Dilated cardiomyopathy 1JJ (CMD1JJ). Identifiers: Orphanet 154, MedGen C3808935, MONDO:0014095, OMIM 615235.

Allele frequency attached by ClinVar (database versions not stated): gnomAD 0.00001 and 0.00005; TOPMed 0.00001; gnomAD exomes 0.00006 and 0.00010; ExAC 0.00013; 1000 Genomes Project 0.00040; 1000 Genomes Project 30x 0.00062.
gnomAD v4.1: 87 of 1,592,454 alleles (0.0055%); highest among the groups gnomAD compares: South Asian, 0.084%; no homozygotes.

Submissions (2):

Labcorp Genetics (formerly Invitae), Labcorp
Classification: Uncertain significance for Dilated cardiomyopathy 1JJ. Last evaluated: 2025-09-21. Review status: criteria provided, single submitter. Criteria: Invitae Variant Classification Sherloc (09022015). Collection method: clinical testing. Allele origin: germline.
Comment: This sequence change replaces isoleucine, which is neutral and non-polar, with threonine, which is neutral and polar, at codon 547 of the LAMA4 protein (p.Ile547Thr). This variant is present in population databases (rs535664944, gnomAD 0.07%), and has an allele count higher than expected for a pathogenic variant. This variant has not been reported in the literature in individuals affected with LAMA4-related conditions. ClinVar contains an entry for this variant (Variation ID: 850887). Invitae Evidence Modeling of protein sequence and biophysical properties (such as structural, functional, and spatial information, amino acid conservation, physicochemical variation, residue mobility, and thermodynamic stability) indicates that this missense variant is not expected to disrupt LAMA4 protein function with a negative predictive value of 80%. In summary, the available evidence is currently insufficient to determine the role of this variant in disease. Therefore, it has been classified as a Variant of Uncertain Significance.

Ambry Genetics
Classification: Uncertain significance for Cardiovascular phenotype. Last evaluated: 2024-04-19. Review status: criteria provided, single submitter. Criteria: Ambry Variant Classification Scheme 2023. Collection method: clinical testing. Allele origin: germline.
Comment: The p.I547T variant (also known as c.1640T>C), located in coding exon 12 of the LAMA4 gene, results from a T to C substitution at nucleotide position 1640. The isoleucine at codon 547 is replaced by threonine, an amino acid with similar properties. This amino acid position is well conserved in available vertebrate species; however, threonine is the reference amino acid in other vertebrate species. In addition, this alteration is predicted to be tolerated by in silico analysis. Since supporting evidence is limited at this time, the clinical significance of this alteration remains unclear.